The following is an entry in ClinVar:

NM_000487.6(ARSA):c.270C>A (p.Tyr90Ter)

Gene: ARSA (arylsulfatase A; minus strand). Cytogenetic location: 22q13.33.
Variant type: single nucleotide variant.
Coding change: c.270C>A on transcript NM_000487.6 (MANE Select); coding-DNA position 270, C replaced by A.
Protein change: p.Tyr90Ter; replaces tyrosine 90 with a stop codon.
Molecular consequence: nonsense.
Genome position (GRCh38, 1-based): chr22:50,627,361, G>T on the plus strand (C>A on the coding strand, the complement: ARSA is on the minus strand). VCF-style: chr22-50627361-G-T. GRCh37 (hg19) VCF-style: chr22-51065789-G-T.
Other names: c.270C>A, p.Tyr90Ter (NM_001085425.3, NM_001085426.3, NM_001085427.3); c.12C>A, p.Tyr4Ter (NM_001085428.3, NM_001362782.2); c.270C>A (NM_000487.5); short protein forms Y4*, Y90*.
Identifiers: ClinVar variation 1421225 (VCV001421225.7), dbSNP rs780399417, ClinGen allele CA412181697.

ClinVar aggregate classification (germline): Pathogenic. Review status: criteria provided, multiple submitters, no conflicts (2 of 4 stars). 2 submissions from 2 submitters: Pathogenic (2). Last evaluated 2026-04-28.

Conditions:
Metachromatic leukodystrophy (MLD). Also called: ARSA DEFICIENCY; CEREBROSIDE SULFATASE DEFICIENCY; METACHROMATIC LEUKOENCEPHALOPATHY; SULFATIDE LIPIDOSIS; Cerebral sclerosis diffuse metachromatic form; Arylsulfatase A Deficiency. Identifiers: Orphanet 512, MedGen C0023522, MONDO:0018868, OMIM 250100.
Inborn genetic diseases. Identifiers: MedGen C0950123, MeSH D030342.

Submissions (2):

Ambry Genetics
Classification: Pathogenic for Inborn genetic diseases. Last evaluated: 2026-04-28. Review status: criteria provided, single submitter. Criteria: Ambry Variant Classification Scheme 2023. Collection method: clinical testing. Allele origin: germline.
Comment: The c.270C>A (p.Y90*) alteration, located in exon 2 (coding exon 2) of the ARSA gene, consists of a C to A substitution at nucleotide position 270. This changes the amino acid from a tyrosine (Y) to a stop codon at amino acid position 90. This variant is expected to result in loss of function by premature protein truncation or nonsense-mediated mRNA decay. This variant was not reported in population-based cohorts in the Genome Aggregation Database (gnomAD). Based on the available evidence, this alteration is classified as pathogenic.

Labcorp Genetics (formerly Invitae), Labcorp
Classification: Pathogenic for Metachromatic leukodystrophy. Last evaluated: 2024-01-17. Review status: criteria provided, single submitter. Criteria: Invitae Variant Classification Sherloc (09022015). Collection method: clinical testing. Allele origin: germline.
Comment: This sequence change creates a premature translational stop signal (p.Tyr90*) in the ARSA gene. It is expected to result in an absent or disrupted protein product. Loss-of-function variants in ARSA are known to be pathogenic (PMID: 8962139, 10477432). This variant is not present in population databases (gnomAD no frequency). This variant has not been reported in the literature in individuals affected with ARSA-related conditions. ClinVar contains an entry for this variant (Variation ID: 1421225). For these reasons, this variant has been classified as Pathogenic.

Literature cited by the submitters: PubMed 8962139 (cited by Labcorp Genetics (formerly Invitae), Labcorp); PubMed 10477432 (cited by Labcorp Genetics (formerly Invitae), Labcorp).